The following is an entry in ClinVar:

ClinVar aggregate classification (germline): Likely benign. Review status: criteria provided, multiple submitters, no conflicts (2 of 4 stars). 2 submissions from 2 submitters: Likely benign (2). Last evaluated 2026-06-23.

Conditions:
Charcot-Marie-Tooth disease axonal type 2O. Also called: Charcot-Marie-Tooth disease, axonal, type 20; CHARCOT-MARIE-TOOTH NEUROPATHY, AXONAL, TYPE 2O; CHARCOT-MARIE-TOOTH DISEASE, AXONAL, AUTOSOMAL DOMINANT, TYPE 2O; Charcot-Marie-Tooth Neuropathy Type 2O. Identifiers: Orphanet 284232, MedGen C3280220, MONDO:0013644, OMIM 614228.
DYNC1H1-related disorder. Also called: DYNC1H1-related condition; DYNC1H1-related disorders. Identifiers: MedGen CN381529.

Allele frequency attached by ClinVar (database versions not stated): gnomAD exomes below 0.00001; gnomAD 0.00001.
gnomAD v4.1: 6 of 1,614,064 alleles (0.00037%); highest among the groups gnomAD compares: Admixed American, 0.005%; no homozygotes.

Submissions (2):

PreventionGenetics, part of Exact Sciences
Classification: Likely benign for DYNC1H1-related condition. Last evaluated: 2026-06-23. Review status: criteria provided, single submitter. Criteria: ACMG Guidelines, 2015. Collection method: clinical testing. Allele origin: germline.
Comment: This variant is classified as likely benign based on ACMG/AMP sequence variant interpretation guidelines (Richards et al. 2015 PMID: 25741868, with internal and published modifications).

Labcorp Genetics (formerly Invitae), Labcorp
Classification: Likely benign for Charcot-Marie-Tooth disease axonal type 2O. Last evaluated: 2022-06-27. Review status: criteria provided, single submitter. Criteria: Invitae Variant Classification Sherloc (09022015). Collection method: clinical testing. Allele origin: germline.

NM_001376.5(DYNC1H1):c.8367A>G (p.Gln2789=)

Gene: DYNC1H1 (dynein cytoplasmic 1 heavy chain 1; plus strand). Cytogenetic location: 14q32.31.
Variant type: single nucleotide variant.
Coding change: c.8367A>G on transcript NM_001376.5 (MANE Select); coding-DNA position 8367, A replaced by G.
Protein change: p.Gln2789=; no amino-acid change (glutamine 2789 retained).
Molecular consequence: synonymous variant.
Genome position (GRCh38, 1-based): chr14:102,019,916, A>G. VCF-style: chr14-102019916-A-G. GRCh37 (hg19) VCF-style: chr14-102486253-A-G.
Other names: c.8367A>G (NM_001376.4).
Identifiers: ClinVar variation 1124227 (VCV001124227.10), dbSNP rs1386906135, ClinGen allele CA487965139.